The following is an entry in ClinVar:

NM_001353921.2(ARHGEF9):c.94C>G (p.Arg32Gly)

Gene: ARHGEF9 (Cdc42 guanine nucleotide exchange factor 9; minus strand). Cytogenetic location: Xq11.1.
Variant type: single nucleotide variant.
Coding change: c.94C>G on transcript NM_001353921.2 (MANE Select); coding-DNA position 94, C replaced by G.
Protein change: p.Arg32Gly; replaces arginine 32 with glycine.
Molecular consequence: missense variant. On other transcripts: 5 prime UTR variant (2), intron variant (6).
Genome position (GRCh38, 1-based): chrX:63,724,648, G>C on the plus strand (C>G on the coding strand, the complement: ARHGEF9 is on the minus strand). VCF-style: chrX-63724648-G-C. GRCh37 (hg19) VCF-style: chrX-62944528-G-C.
Other names: c.10C>G, p.Arg4Gly (NM_001330495.2, NM_001353927.2, NM_001369033.1 and 8 more transcripts); c.94C>G, p.Arg32Gly (NM_001353922.2); c.112C>G, p.Arg38Gly (NM_001353923.1); c.73C>G, p.Arg25Gly (NM_001353928.2, NM_001369030.1, NM_001369031.1 and 2 more transcripts); c.-370C>G (NM_001369042.1); c.-610C>G (NM_001369045.1); c.31-18199C>G (NM_001173479.2); c.10-18199C>G (NM_001369040.1, NM_001369039.1, NM_001353926.2 and 1 more transcripts); and 1 more; short protein forms R25G, R32G, R38G, R4G.
Identifiers: ClinVar variation 2571910 (VCV002571910.4), dbSNP rs2053847817, ClinGen allele CA413404320.

ClinVar aggregate classification (germline): Uncertain significance. Review status: criteria provided, multiple submitters, no conflicts (2 of 4 stars). 2 submissions from 2 submitters: Uncertain significance (2). Last evaluated 2023-01-06.

Conditions:
Developmental and epileptic encephalopathy, 8 (DEE8). Also called: HYPEREKPLEXIA AND EPILEPSY. Identifiers: Orphanet 163985, Orphanet 2076, MedGen C1845102, MONDO:0010375, OMIM 300607.

Submissions (2):

GeneDx
Classification: Uncertain significance. Last evaluated: 2023-01-06. Review status: criteria provided, single submitter. Criteria: GeneDx Variant Classification Process June 2021. Collection method: clinical testing. Allele origin: germline. Affected: yes.
Comment: Not observed at significant frequency in large population cohorts (gnomAD); In silico analysis supports that this missense variant has a deleterious effect on protein structure/function; Has not been previously published as pathogenic or benign to our knowledge

Labcorp Genetics (formerly Invitae), Labcorp
Classification: Uncertain significance for Developmental and epileptic encephalopathy, 8. Last evaluated: 2022-12-30. Review status: criteria provided, single submitter. Criteria: Invitae Variant Classification Sherloc (09022015). Collection method: clinical testing. Allele origin: germline.
Comment: This variant has not been reported in the literature in individuals affected with ARHGEF9-related conditions. Advanced modeling of protein sequence and biophysical properties (such as structural, functional, and spatial information, amino acid conservation, physicochemical variation, residue mobility, and thermodynamic stability) has been performed at Invitae for this missense variant, however the output from this modeling did not meet the statistical confidence thresholds required to predict the impact of this variant on ARHGEF9 protein function. In summary, the available evidence is currently insufficient to determine the role of this variant in disease. Therefore, it has been classified as a Variant of Uncertain Significance. This variant is not present in population databases (gnomAD no frequency). This sequence change replaces arginine, which is basic and polar, with glycine, which is neutral and non-polar, at codon 25 of the ARHGEF9 protein (p.Arg25Gly).